The following is an entry in ClinVar:

NM_004329.3(BMPR1A):c.260A>T (p.Glu87Val)

Gene: BMPR1A (bone morphogenetic protein receptor type 1A; plus strand). Cytogenetic location: 10q23.2.
Variant type: single nucleotide variant.
Coding change: c.260A>T on transcript NM_004329.3 (MANE Select); coding-DNA position 260, A replaced by T.
Protein change: p.Glu87Val; replaces glutamic acid 87 with valine.
Molecular consequence: missense variant.
Genome position (GRCh38, 1-based): chr10:86,892,156, A>T. VCF-style: chr10-86892156-A-T. GRCh37 (hg19) VCF-style: chr10-88651913-A-T.
Other names: short protein forms E87V.
Identifiers: ClinVar variation 1478574 (VCV001478574.8), dbSNP rs2133408068, ClinGen allele CA377448036.
Genomic context (GRCh38, chr10:86,892,156, plus strand): 5'-TTTTGTTTTGTTTTGTTTTTTTCTGTTTTAGAACTAATGGACATTGCTTTGCCATCATAG[A>T]AGAAGATGACCAGGGAGAAACCACATTAGCTTCAGGGTGTATGAAATATGAAGGATCTGA-3'
Protein context (NP_004320.2, residues 77-97): ITNGHCFAII[Glu87Val]EDDQGETTLA

ClinVar aggregate classification (germline): Uncertain significance. Review status: criteria provided, multiple submitters, no conflicts (2 of 4 stars). 2 submissions from 2 submitters: Uncertain significance (2). Last evaluated 2025-11-17.

Conditions:
Juvenile polyposis syndrome (JPS). Identifiers: Orphanet 2929, MedGen C0345893, MONDO:0017380, OMIM 174900.

Submissions (2):

Dasa
Classification: Uncertain significance. Last evaluated: 2025-11-17. Review status: criteria provided, single submitter. Criteria: DASA Assertion Criteria. Collection method: clinical testing. Allele origin: germline.
Comment: NM_004329.3(BMPR1A):c.260A>T (p.Glu87Val) is a missense variant that results in the substitution of glutamic acid with valine. This variant is absent from population databases. Computational prediction algorithms are consistent with a deleterious effect. The currently available literature and clinical evidence are not sufficient to establish a definitive association between this variant and the reported condition. Therefore, this variant is classified as a variant of uncertain significance.

Labcorp Genetics (formerly Invitae), Labcorp
Classification: Uncertain significance for Juvenile polyposis syndrome. Last evaluated: 2023-02-14. Review status: criteria provided, single submitter. Criteria: Invitae Variant Classification Sherloc (09022015). Collection method: clinical testing. Allele origin: germline.
Comment: In summary, the available evidence is currently insufficient to determine the role of this variant in disease. Therefore, it has been classified as a Variant of Uncertain Significance. Advanced modeling of protein sequence and biophysical properties (such as structural, functional, and spatial information, amino acid conservation, physicochemical variation, residue mobility, and thermodynamic stability) performed at Invitae indicates that this missense variant is not expected to disrupt BMPR1A protein function. ClinVar contains an entry for this variant (Variation ID: 1478574). This variant has not been reported in the literature in individuals affected with BMPR1A-related conditions. This variant is not present in population databases (gnomAD no frequency). This sequence change replaces glutamic acid, which is acidic and polar, with valine, which is neutral and non-polar, at codon 87 of the BMPR1A protein (p.Glu87Val).